The following is an entry in ClinVar:

NM_000321.3(RB1):c.718+35A>T

Gene: RB1 (RB transcriptional corepressor 1; plus strand). Cytogenetic location: 13q14.2.
Variant type: single nucleotide variant.
Coding change: c.718+35A>T on transcript NM_000321.3 (MANE Select); 35 bases into the intron after coding-DNA position 718, A replaced by T.
Molecular consequence: intron variant.
Genome position (GRCh38, 1-based): chr13:48,360,162, A>T. VCF-style: chr13-48360162-A-T. GRCh37 (hg19) VCF-style: chr13-48934298-A-T.
Identifiers: ClinVar variation 1182421 (VCV001182421.4), dbSNP rs3092868, ClinGen allele CA039319.

ClinVar aggregate classification (germline): Likely benign. Review status: criteria provided, multiple submitters, no conflicts (2 of 4 stars). 3 submissions from 3 submitters: Likely benign (3). Last evaluated 2025-09-17.

Conditions:
Hereditary retinoblastoma. Identifiers: Orphanet 357027, MedGen C0751483, MONDO:0018160.

Allele frequency attached by ClinVar (database versions not stated): gnomAD exomes 0.00084 and 0.00234; ExAC 0.00300; 1000 Genomes Project 0.00819; 1000 Genomes Project 30x 0.00828; gnomAD 0.00930 and 0.01015; TOPMed 0.01028; ESP Exome Variant Server 0.01093.
gnomAD v4.1: 2,667 of 1,610,020 alleles (0.17%); highest among the groups gnomAD compares: African/African-American, 3.2%; 44 homozygotes.

Submissions (3):

Ramesar Group, Division of Human Genetics, Institute of Infectious Diseases and Molecular Medicine, UCT/MRC Genomic and Precision Medicine Research Unit, University of Cape Town
Classification: Likely benign for Hereditary retinoblastoma. Last evaluated: 2025-09-17. Review status: criteria provided, single submitter. Criteria: ACMG Guidelines, 2015. Collection method: research. Allele origin: germline. Affected: no.
Comment: BP5 - Variant found in a patient with a different retinal disease; RB1 is not associated with the phenotype BP7 - A non-coding variant with no predicted effect on splicing (SpliceAI scores are negligible)

GeneDx
Classification: Likely benign. Last evaluated: 2018-06-23. Review status: criteria provided, single submitter. Criteria: GeneDx Variant Classification Process June 2021. Collection method: clinical testing. Allele origin: germline. Affected: yes.

Breakthrough Genomics
Classification: Likely benign. Review status: criteria provided, single submitter. Criteria: ACMG Guidelines, 2015. Collection method: not provided. Allele origin: germline. Inheritance: Autosomal dominant inheritance. Affected: yes.